The following is an entry in ClinVar:

ClinVar aggregate classification (germline): Likely benign. Review status: criteria provided, single submitter (1 of 4 stars). 2 submissions from 2 submitters: Likely benign (1). 1 of the submissions does not count toward it. Last evaluated 2026-01-05.

Conditions:
PEX10-related disorder. Also called: PEX10-related condition.
Peroxisome biogenesis disorder, complementation group 7 (CG7). Also called: Peroxisome biogenesis disorder, complementation group B. Identifiers: MedGen C1864399.

Allele frequency attached by ClinVar (database versions not stated): ExAC 0.00001; gnomAD 0.00001; gnomAD exomes 0.00001 and 0.00002; TOPMed 0.00001.

Submissions (2):

Labcorp Genetics (formerly Invitae), Labcorp
Classification: Likely benign for Peroxisome biogenesis disorder, complementation group 7. Last evaluated: 2026-01-05. Review status: criteria provided, single submitter. Criteria: Invitae Variant Classification Sherloc (09022015). Collection method: clinical testing. Allele origin: germline.

PreventionGenetics, part of Exact Sciences
Classification: Likely benign for PEX10-related condition. Last evaluated: 2019-11-19. Review status: no assertion criteria provided. Collection method: clinical testing. Allele origin: germline. Not counted in ClinVar's aggregate classification.
Comment: This variant is classified as likely benign based on ACMG/AMP sequence variant interpretation guidelines (Richards et al. 2015 PMID: 25741868, with internal and published modifications).

NM_002617.4(PEX10):c.194-4G>A

Gene: PEX10 (peroxisomal biogenesis factor 10; minus strand). Cytogenetic location: 1p36.32.
Variant type: single nucleotide variant.
Coding change: c.194-4G>A on transcript NM_002617.4 (MANE Select); 4 bases into the intron before coding-DNA position 194, G replaced by A.
Molecular consequence: intron variant.
Genome position (GRCh38, 1-based): chr1:2,408,862, C>T on the plus strand (G>A on the coding strand, the complement: PEX10 is on the minus strand). VCF-style: chr1-2408862-C-T. GRCh37 (hg19) VCF-style: chr1-2340301-C-T.
Other names: c.194-4G>A (NM_153818.1, NM_001374425.1, NM_153818.2); c.-239-4G>A (NM_001374427.1, NM_001374426.1).
Identifiers: ClinVar variation 1585641 (VCV001585641.10), dbSNP rs778931694, ClinGen allele CA538248.